The following is an entry in ClinVar:

NM_003124.5(SPR):c.38C>T (p.Thr13Ile)

Genes: SPR (sepiapterin reductase; plus strand), LOC129934069 (ATAC-STARR-seq lymphoblastoid silent region 11626; plus strand). Cytogenetic location: 2p13.2.
Variant type: single nucleotide variant.
Coding change: c.38C>T on transcript NM_003124.5 (MANE Select); coding-DNA position 38, C replaced by T.
Protein change: p.Thr13Ile; replaces threonine 13 with isoleucine.
Molecular consequence: missense variant.
Genome position (GRCh38, 1-based): chr2:72,887,470, C>T. VCF-style: chr2-72887470-C-T. GRCh37 (hg19) VCF-style: chr2-73114599-C-T.
Other names: short protein forms T13I.
Identifiers: ClinVar variation 2419965 (VCV002419965.4), dbSNP rs1189166320, ClinGen allele CA347230399.

ClinVar aggregate classification (germline): Uncertain significance (1 of 4 stars; one submission).

Conditions:
Dystonic disorder. Also called: Dystonia. Identifiers: MedGen C0013421, MONDO:0003441, HP:0001332.

Allele frequency attached by ClinVar (database versions not stated): gnomAD exomes below 0.00001.
gnomAD v4.1: 4 of 1,507,704 alleles (0.00027%); highest among the groups gnomAD compares: African/African-American, 0.0014%; no homozygotes.

Submission:

Labcorp Genetics (formerly Invitae), Labcorp
Classification: Uncertain significance for Dystonic disorder. Last evaluated: 2022-04-20. Review status: criteria provided, single submitter. Criteria: Invitae Variant Classification Sherloc (09022015). Collection method: clinical testing. Allele origin: germline.
Comment: This sequence change replaces threonine, which is neutral and polar, with isoleucine, which is neutral and non-polar, at codon 13 of the SPR protein (p.Thr13Ile). This variant is not present in population databases (gnomAD no frequency). This variant has not been reported in the literature in individuals affected with SPR-related conditions. Algorithms developed to predict the effect of missense changes on protein structure and function (SIFT, PolyPhen-2, Align-GVGD) all suggest that this variant is likely to be disruptive. In summary, the available evidence is currently insufficient to determine the role of this variant in disease. Therefore, it has been classified as a Variant of Uncertain Significance.